The following is an entry in ClinVar:

NM_172107.4(KCNQ2):c.1030T>C (p.Trp344Arg)

Gene: KCNQ2 (potassium voltage-gated channel subfamily Q member 2; minus strand). Cytogenetic location: 20q13.33.
Variant type: single nucleotide variant.
Coding change: c.1030T>C on transcript NM_172107.4 (MANE Select); coding-DNA position 1030, T replaced by C.
Protein change: p.Trp344Arg; replaces tryptophan 344 with arginine.
Molecular consequence: missense variant.
Genome position (GRCh38, 1-based): chr20:63,433,897, A>G on the plus strand (T>C on the coding strand, the complement: KCNQ2 is on the minus strand). VCF-style: chr20-63433897-A-G. GRCh37 (hg19) VCF-style: chr20-62065250-A-G.
Other names: c.1030T>C, p.Trp344Arg (NM_004518.6, NM_172106.3, NM_172108.5 and 1 more transcripts); c.1030T>C (NM_172107.3); short protein forms W344R.
Identifiers: ClinVar variation 369777 (VCV000369777.7), dbSNP rs1057516105, ClinGen allele CA10654802.

ClinVar aggregate classification (germline): Conflicting classifications of pathogenicity. Review status: criteria provided, conflicting classifications (1 of 4 stars). 3 submissions from 3 submitters: Likely pathogenic (1); Uncertain significance (1). 1 of the submissions does not count toward it. Last evaluated 2025-05-31.

Conditions:
KCNQ2-Related Disorders. Also called: KCNQ2-related disorder; KCNQ2-related condition. Identifiers: MedGen CN169299.
Seizures, benign familial neonatal, 1. Also called: Benign Neonatal Epilepsy 1; Seizures, benign neonatal, 1; KCNQ2-Related Benign Familial Neonatal Epilepsy; KCNQ2-Related Self-Limited Familial Neonatal Epilepsy (SLFNE). Identifiers: Orphanet 1949, MedGen C3149074, MONDO:0007365, OMIM 121200.
Early-infantile DEE. Also called: Early infantile epileptic encephalopathy; Early infantile epileptic encephalopathy with suppression bursts; Ohtahara syndrome. Identifiers: Orphanet 1934, MedGen C0393706, MONDO:0800491.

Submissions (3):

PreventionGenetics, part of Exact Sciences
Classification: Uncertain significance for KCNQ2-related condition. Last evaluated: 2025-05-31. Review status: criteria provided, single submitter. Criteria: ACMG Guidelines, 2015. Collection method: clinical testing. Allele origin: germline.
Comment: The KCNQ2 c.1030T>C variant is predicted to result in the amino acid substitution p.Trp344Arg. This variant was reported in three individuals with benign neonatal epilepsy from a single family (Soldovieri et al. 2014. PubMed ID: 24375629; eTable 1, Bennett et al. 2017. PubMed ID: 28717674). Functional experiments demonstrated this variant does not affect calmodulin binding but does result in reduced functional currents (Soldovieri et al. 2014. PubMed ID: 24375629; Ambrosino et al. 2015. PubMed ID: 26073431; Urrutia et al. 2021. PubMed ID: 34020651). This variant has not been reported in a large population database (gnomAD), indicating this variant is rare. Although we suspect that this variant may be pathogenic, at this time, the clinical significance of this variant is uncertain due to the absence of conclusive functional and genetic evidence.

Labcorp Genetics (formerly Invitae), Labcorp
Classification: Likely pathogenic for Early-infantile DEE. Last evaluated: 2022-03-18. Review status: criteria provided, single submitter. Criteria: Invitae Variant Classification Sherloc (09022015). Collection method: clinical testing. Allele origin: germline.
Comment: This sequence change replaces tryptophan, which is neutral and slightly polar, with arginine, which is basic and polar, at codon 344 of the KCNQ2 protein (p.Trp344Arg). This variant is not present in population databases (gnomAD no frequency). This missense change has been observed in individual(s) with KCNQ2-related conditions (PMID: 24375629). It has also been observed to segregate with disease in related individuals. ClinVar contains an entry for this variant (Variation ID: 369777). Advanced modeling of protein sequence and biophysical properties (such as structural, functional, and spatial information, amino acid conservation, physicochemical variation, residue mobility, and thermodynamic stability) performed at Invitae indicates that this missense variant is expected to disrupt KCNQ2 protein function. Experimental studies have shown that this missense change affects KCNQ2 function (PMID: 24375629, 26073431, 34020651). In summary, the currently available evidence indicates that the variant is pathogenic, but additional data are needed to prove that conclusively. Therefore, this variant has been classified as Likely Pathogenic.

GeneReviews
No classification provided. Condition: Seizures, benign familial neonatal, 1. Review status: no classification provided. Collection method: literature only. Allele origin: germline. Affected: yes. Not counted in ClinVar's aggregate classification.
Comment: BFNE (benign familial neonatal epilepsy)

Functional effect: CHO: Q2mut, no current expression; Q2wt:Q2mut:Q3, Ì´50% current reduction

Literature cited by the submitters: PubMed 24375629 (cited by Labcorp Genetics (formerly Invitae), Labcorp and GeneReviews); PubMed 26073431 (cited by Labcorp Genetics (formerly Invitae), Labcorp); PubMed 34020651 (cited by Labcorp Genetics (formerly Invitae), Labcorp); NCBI Bookshelf NBK32534 (cited by GeneReviews).